The following is an entry in ClinVar:

ClinVar aggregate classification (germline): Uncertain significance. Review status: criteria provided, multiple submitters, no conflicts (2 of 4 stars). 5 submissions from 5 submitters: Uncertain significance (5). Last evaluated 2025-12-03.

Conditions:
Inborn genetic diseases. Identifiers: MedGen C0950123, MeSH D030342.
Spastic paraplegia. Identifiers: MedGen C0037772, HP:0001258.

Allele frequency attached by ClinVar (database versions not stated): gnomAD 0.00001; gnomAD exomes 0.00001; ExAC 0.00002; TOPMed 0.00002.
gnomAD v4.1: 19 of 1,614,048 alleles (0.0012%); highest among the groups gnomAD compares: Middle Eastern, 0.066%; no homozygotes.

Submissions (5):

Ambry Genetics
Classification: Uncertain significance for Inborn genetic diseases. Last evaluated: 2025-12-03. Review status: criteria provided, single submitter. Criteria: Ambry Variant Classification Scheme 2023. Collection method: clinical testing. Allele origin: germline.

CeGaT Center for Human Genetics Tuebingen
Classification: Uncertain significance. Last evaluated: 2025-12-01. Review status: criteria provided, single submitter. Criteria: CeGaT Center For Human Genetics Tuebingen Variant Classification Criteria Version 2. Collection method: clinical testing. Allele origin: germline. Affected: yes. Observed: 4 variant alleles.
Comment: FA2H: PM2

Women's Health and Genetics/Laboratory Corporation of America, LabCorp
Classification: Uncertain significance. Last evaluated: 2025-06-30. Review status: criteria provided, single submitter. Criteria: LabCorp Variant Classification Summary - May 2015. Collection method: clinical testing. Allele origin: germline.
Comment: Variant summary: FA2H c.451A>G (p.Arg151Gly) results in a non-conservative amino acid change in the encoded protein sequence. Algorithms developed to predict the effect of missense changes on protein structure and function all suggest that this variant is likely to be disruptive. The variant allele was found at a frequency of 1.2e-05 in 251268 control chromosomes. The available data on variant occurrences in the general population are insufficient to allow any conclusion about variant significance. To our knowledge, no occurrence of c.451A>G in individuals affected with Hereditary Spastic Paraplegia 35 and no experimental evidence demonstrating its impact on protein function have been reported. ClinVar contains an entry for this variant (Variation ID: 1675632). Based on the evidence outlined above, the variant was classified as uncertain significance.

GeneDx
Classification: Uncertain significance. Last evaluated: 2024-09-13. Review status: criteria provided, single submitter. Criteria: GeneDx Variant Classification Process June 2021. Collection method: clinical testing. Allele origin: germline. Affected: yes.
Comment: Not observed at significant frequency in large population cohorts (gnomAD); In silico analysis supports that this missense variant has a deleterious effect on protein structure/function; Has not been previously published as pathogenic or benign to our knowledge

Labcorp Genetics (formerly Invitae), Labcorp
Classification: Uncertain significance for Spastic paraplegia. Last evaluated: 2022-06-27. Review status: criteria provided, single submitter. Criteria: Invitae Variant Classification Sherloc (09022015). Collection method: clinical testing. Allele origin: germline.
Comment: This sequence change replaces arginine, which is basic and polar, with glycine, which is neutral and non-polar, at codon 151 of the FA2H protein (p.Arg151Gly). This variant is present in population databases (rs753898846, gnomAD 0.003%). This variant has not been reported in the literature in individuals affected with FA2H-related conditions. Advanced modeling of protein sequence and biophysical properties (such as structural, functional, and spatial information, amino acid conservation, physicochemical variation, residue mobility, and thermodynamic stability) performed at Invitae indicates that this missense variant is expected to disrupt FA2H protein function. In summary, the available evidence is currently insufficient to determine the role of this variant in disease. Therefore, it has been classified as a Variant of Uncertain Significance.

NM_024306.5(FA2H):c.451A>G (p.Arg151Gly)

Gene: FA2H (fatty acid 2-hydroxylase; minus strand). Cytogenetic location: 16q23.1.
Variant type: single nucleotide variant.
Coding change: c.451A>G on transcript NM_024306.5 (MANE Select); coding-DNA position 451, A replaced by G.
Protein change: p.Arg151Gly; replaces arginine 151 with glycine.
Molecular consequence: missense variant.
Genome position (GRCh38, 1-based): chr16:74,727,299, T>C on the plus strand (A>G on the coding strand, the complement: FA2H is on the minus strand). VCF-style: chr16-74727299-T-C. GRCh37 (hg19) VCF-style: chr16-74761197-T-C.
Other names: c.451A>G (NM_024306.4); short protein forms R151G.
Identifiers: ClinVar variation 1675632 (VCV001675632.39), dbSNP rs753898846, ClinGen allele CA8170527.